The following is an entry in ClinVar:

ClinVar aggregate classification (germline): Uncertain significance (1 of 4 stars; one submission).

Conditions:
Neutrophil immunodeficiency syndrome. Also called: Immunodeficiency 73A with defective neutrophil chemotaxis and leukocytosis. Identifiers: Orphanet 183707, MedGen C1842398, MONDO:0011988, OMIM 608203.

Allele frequency attached by ClinVar (database versions not stated): gnomAD 0.00001.
gnomAD v4.1: 20 of 1,612,518 alleles (0.0012%); highest among the groups gnomAD compares: Admixed American, 0.005%; no homozygotes.

Submission:

Labcorp Genetics (formerly Invitae), Labcorp
Classification: Uncertain significance for Neutrophil immunodeficiency syndrome. Last evaluated: 2025-01-22. Review status: criteria provided, single submitter. Criteria: Invitae Variant Classification Sherloc (09022015). Collection method: clinical testing. Allele origin: germline.
Comment: This sequence change replaces serine, which is neutral and polar, with leucine, which is neutral and non-polar, at codon 151 of the RAC2 protein (p.Ser151Leu). This variant is present in population databases (no rsID available, gnomAD 0.009%). This variant has not been reported in the literature in individuals affected with RAC2-related conditions. ClinVar contains an entry for this variant (Variation ID: 2052253). Invitae Evidence Modeling of protein sequence and biophysical properties (such as structural, functional, and spatial information, amino acid conservation, physicochemical variation, residue mobility, and thermodynamic stability) indicates that this missense variant is not expected to disrupt RAC2 protein function with a negative predictive value of 95%. In summary, the available evidence is currently insufficient to determine the role of this variant in disease. Therefore, it has been classified as a Variant of Uncertain Significance.

NM_002872.5(RAC2):c.452C>T (p.Ser151Leu)

Gene: RAC2 (Rac family small GTPase 2; minus strand). Cytogenetic location: 22q13.1.
Variant type: single nucleotide variant.
Coding change: c.452C>T on transcript NM_002872.5 (MANE Select); coding-DNA position 452, C replaced by T.
Protein change: p.Ser151Leu; replaces serine 151 with leucine.
Molecular consequence: missense variant.
Genome position (GRCh38, 1-based): chr22:37,226,800, G>A on the plus strand (C>T on the coding strand, the complement: RAC2 is on the minus strand). VCF-style: chr22-37226800-G-A. GRCh37 (hg19) VCF-style: chr22-37622840-G-A.
Other names: short protein forms S151L.
Identifiers: ClinVar variation 2052253 (VCV002052253.4), dbSNP rs147161880, ClinGen allele CA324075618.